The following is an entry in ClinVar:

ClinVar aggregate classification (germline): Uncertain significance. Review status: criteria provided, multiple submitters, no conflicts (2 of 4 stars). 2 submissions from 2 submitters: Uncertain significance (2). Last evaluated 2022-05-12.

Allele frequency attached by ClinVar (database versions not stated): gnomAD 0.00001 and 0.00003; TOPMed 0.00004; gnomAD exomes 0.00006; ExAC 0.00009; 1000 Genomes Project 30x 0.00047.
gnomAD v4.1: 49 of 1,428,888 alleles (0.0034%); highest among the groups gnomAD compares: Middle Eastern, 0.018%; no homozygotes.

Submissions (2):

Labcorp Genetics (formerly Invitae), Labcorp
Classification: Uncertain significance. Last evaluated: 2022-05-12. Review status: criteria provided, single submitter. Criteria: Invitae Variant Classification Sherloc (09022015). Collection method: clinical testing. Allele origin: germline.
Comment: This sequence change falls in intron 29 of the SBF1 gene. It does not directly change the encoded amino acid sequence of the SBF1 protein. It affects a nucleotide within the consensus splice site. The frequency data for this variant in the population databases is considered unreliable, as metrics indicate poor data quality at this position in the gnomAD database. This variant has not been reported in the literature in individuals affected with SBF1-related conditions. ClinVar contains an entry for this variant (Variation ID: 1162890). Variants that disrupt the consensus splice site are a relatively common cause of aberrant splicing (PMID: 17576681, 9536098). Algorithms developed to predict the effect of sequence changes on RNA splicing suggest that this variant may disrupt the consensus splice site. In summary, the available evidence is currently insufficient to determine the role of this variant in disease. Therefore, it has been classified as a Variant of Uncertain Significance.

Mayo Clinic Laboratories, Mayo Clinic
Classification: Uncertain significance. Last evaluated: 2019-11-18. Review status: criteria provided, single submitter. Criteria: ACMG Guidelines, 2015. Collection method: clinical testing. Allele origin: germline. Observed: 1 variant allele.

Literature cited by the submitters: PubMed 17576681 (cited by Labcorp Genetics (formerly Invitae), Labcorp); PubMed 9536098 (cited by Labcorp Genetics (formerly Invitae), Labcorp).

NM_002972.4(SBF1):c.3904+6G>A

Gene: SBF1 (SET binding factor 1; minus strand). Cytogenetic location: 22q13.33.
Variant type: single nucleotide variant.
Coding change: c.3904+6G>A on transcript NM_002972.4 (MANE Select); 6 bases into the intron after coding-DNA position 3904, G replaced by A.
Molecular consequence: intron variant.
Genome position (GRCh38, 1-based): chr22:50,457,028, C>T on the plus strand (G>A on the coding strand, the complement: SBF1 is on the minus strand). VCF-style: chr22-50457028-C-T. GRCh37 (hg19) VCF-style: chr22-50895457-C-T.
Other names: c.3830-355G>A (NM_001365819.1).
Identifiers: ClinVar variation 1162890 (VCV001162890.7), dbSNP rs749256198, ClinGen allele CA10316501.